The following is an entry in ClinVar:

ClinVar aggregate classification (germline): Conflicting classifications of pathogenicity. Review status: criteria provided, conflicting classifications (1 of 4 stars). 6 submissions from 6 submitters: Uncertain significance (5); Likely benign (1). Last evaluated 2025-12-21.

Conditions:
Familial thoracic aortic aneurysm and aortic dissection (TAAD). Also called: Thoracic aortic aneurysms and dissections. Identifiers: Orphanet 91387, MedGen C4707243, MONDO:0019625.
Aortic aneurysm, familial thoracic 4 (AAT4). Also called: AORTIC ANEURYSM/AORTIC DISSECTION AND PATENT DUCTUS ARTERIOSUS. Identifiers: MedGen C1851504, MONDO:0007568, OMIM 132900.

Allele frequency attached by ClinVar (database versions not stated): ExAC 0.00003; gnomAD exomes 0.00004; TOPMed 0.00004; gnomAD 0.00006.
gnomAD v4.1: 21 of 1,614,058 alleles (0.0013%); highest among the groups gnomAD compares: East Asian, 0.022%; no homozygotes.

Submissions (6):

Labcorp Genetics (formerly Invitae), Labcorp
Classification: Uncertain significance for Aortic aneurysm, familial thoracic 4. Last evaluated: 2025-12-21. Review status: criteria provided, single submitter. Criteria: Invitae Variant Classification Sherloc (09022015). Collection method: clinical testing. Allele origin: germline.
Comment: This sequence change replaces arginine, which is basic and polar, with histidine, which is basic and polar, at codon 441 of the MYH11 protein (p.Arg441His). This variant is present in population databases (rs754636432, gnomAD 0.05%). This variant has not been reported in the literature in individuals affected with MYH11-related conditions. ClinVar contains an entry for this variant (Variation ID: 496100). Invitae Evidence Modeling of protein sequence and biophysical properties (such as structural, functional, and spatial information, amino acid conservation, physicochemical variation, residue mobility, and thermodynamic stability) indicates that this missense variant is not expected to disrupt MYH11 protein function with a negative predictive value of 95%. In summary, the available evidence is currently insufficient to determine the role of this variant in disease. Therefore, it has been classified as a Variant of Uncertain Significance.

Ambry Genetics
Classification: Uncertain significance for Familial thoracic aortic aneurysm and aortic dissection. Last evaluated: 2025-03-22. Review status: criteria provided, single submitter. Criteria: Ambry Variant Classification Scheme 2023. Collection method: clinical testing. Allele origin: germline.
Comment: The p.R434H variant (also known as c.1301G>A), located in coding exon 11 of the MYH11 gene, results from a G to A substitution at nucleotide position 1301. The arginine at codon 434 is replaced by histidine, an amino acid with highly similar properties. This amino acid position is well conserved in available vertebrate species. In addition, the in silico prediction for this alteration is inconclusive. Based on the available evidence, the clinical significance of this variant remains unclear.

Blueprint Genetics
Classification: Likely benign. Last evaluated: 2024-01-10. Review status: criteria provided, single submitter. Criteria: ACMG Guidelines, 2015. Collection method: clinical testing. Allele origin: germline.

All of Us Research Program, National Institutes of Health
Classification: Uncertain significance for Familial thoracic aortic aneurysm and aortic dissection. Last evaluated: 2023-12-13. Review status: criteria provided, single submitter. Criteria: ACMG Guidelines, 2015. Collection method: clinical testing. Allele origin: germline. Inheritance: Autosomal dominant inheritance. Observed: 6 variant alleles, 6 heterozygotes.
Comment: This missense variant replaces arginine with histidine at codon 441 of the MYH11 protein. Computational prediction is inconclusive regarding the impact of this variant on protein structure and function (internally defined REVEL score threshold 0.5 < inconclusive < 0.7, PMID: 27666373). To our knowledge, functional studies have not been reported for this variant. This variant has not been reported in individuals affected with MYH11-related disorders in the literature. This variant has been identified in 12/282852 chromosomes in the general population by the Genome Aggregation Database (gnomAD). The available evidence is insufficient to determine the role of this variant in disease conclusively. Therefore, this variant is classified as a Variant of Uncertain Significance.

This study involves interpretation of variants in research participants for the purpose of population health screening. Participant phenotype was not available at the time of variant classification. Additional details can be found in publication PMID: 35346344, PMCID: PMC8962531

Color Diagnostics, LLC DBA Color Health
Classification: Uncertain significance for Familial thoracic aortic aneurysm and aortic dissection. Last evaluated: 2023-03-07. Review status: criteria provided, single submitter. Criteria: ACMG Guidelines, 2015. Collection method: clinical testing. Allele origin: germline.
Comment: This missense variant replaces arginine with histidine at codon 441 of the MYH11 protein. Computational prediction is inconclusive regarding the impact of this variant on protein structure and function (internally defined REVEL score threshold 0.5 < inconclusive < 0.7, PMID: 27666373). To our knowledge, functional studies have not been reported for this variant. This variant has not been reported in individuals affected with MYH11-related disorders in the literature. This variant has been identified in 12/282852 chromosomes in the general population by the Genome Aggregation Database (gnomAD). The available evidence is insufficient to determine the role of this variant in disease conclusively. Therefore, this variant is classified as a Variant of Uncertain Significance.

Women's Health and Genetics/Laboratory Corporation of America, LabCorp
Classification: Uncertain significance. Last evaluated: 2016-01-25. Review status: criteria provided, single submitter. Criteria: LabCorp Variant Classification Summary - May 2015. Collection method: clinical testing. Allele origin: germline.

NM_002474.3(MYH11):c.1301G>A (p.Arg434His)

Gene: MYH11 (myosin heavy chain 11; minus strand). Cytogenetic location: 16p13.11.
Variant type: single nucleotide variant.
Coding change: c.1301G>A on transcript NM_002474.3 (MANE Select); coding-DNA position 1301, G replaced by A.
Protein change: p.Arg434His; replaces arginine 434 with histidine.
Molecular consequence: missense variant.
Genome position (GRCh38, 1-based): chr16:15,759,676, C>T on the plus strand (G>A on the coding strand, the complement: MYH11 is on the minus strand). VCF-style: chr16-15759676-C-T. GRCh37 (hg19) VCF-style: chr16-15853533-C-T.
Other names: c.1322G>A, p.Arg441His (NM_001040113.2, NM_001040114.2); c.1301G>A, p.Arg434His (NM_022844.3); c.1301G>A (NM_002474.2); short protein forms R441H, R434H.
Identifiers: ClinVar variation 496100 (VCV000496100.10), dbSNP rs754636432, ClinGen allele CA7922642.